The following is an entry in ClinVar:

NM_000093.5(COL5A1):c.4067C>A (p.Ala1356Glu)

Gene: COL5A1 (collagen type V alpha 1 chain; plus strand). Cytogenetic location: 9q34.3.
Variant type: single nucleotide variant.
Coding change: c.4067C>A on transcript NM_000093.5 (MANE Select); coding-DNA position 4067, C replaced by A.
Protein change: p.Ala1356Glu; replaces alanine 1356 with glutamic acid.
Molecular consequence: missense variant.
Genome position (GRCh38, 1-based): chr9:134,815,628, C>A. VCF-style: chr9-134815628-C-A. GRCh37 (hg19) VCF-style: chr9-137707474-C-A.
Other names: c.4067C>A, p.Ala1356Glu (NM_001278074.1); short protein forms A1356E.
Identifiers: ClinVar variation 4706005 (VCV004706005.1).

ClinVar aggregate classification (germline): Uncertain significance (1 of 4 stars; one submission).

Conditions:
Ehlers-Danlos syndrome, classic type, 1 (EDSCL1). Also called: EHLERS-DANLOS SYNDROME, GRAVIS TYPE; EHLERS-DANLOS SYNDROME, SEVERE CLASSIC TYPE; Ehlers-Danlos syndrome, type 1; Ehlers-Danlos Syndrome, Classic Type, COL5A1-Related; EDS I. Identifiers: MedGen C0268335, MONDO:0019567, OMIM 130000.

gnomAD v4.1: 1 of 1,613,600 alleles (0.000062%); highest among the groups gnomAD compares: Non-Finnish European, 0.000085%; no homozygotes.

Submission:

Labcorp Genetics (formerly Invitae), Labcorp
Classification: Uncertain significance for Ehlers-Danlos syndrome, classic type, 1. Last evaluated: 2025-07-23. Review status: criteria provided, single submitter. Criteria: Invitae Variant Classification Sherloc (09022015). Collection method: clinical testing. Allele origin: germline.
Comment: This sequence change replaces alanine, which is neutral and non-polar, with glutamic acid, which is acidic and polar, at codon 1356 of the COL5A1 protein (p.Ala1356Glu). This variant is present in population databases (rs766796504, gnomAD 0.01%). This variant has not been reported in the literature in individuals affected with COL5A1-related conditions. Experimental studies and prediction algorithms are not available or were not evaluated, and the functional significance of this variant is currently unknown. In summary, the available evidence is currently insufficient to determine the role of this variant in disease. Therefore, it has been classified as a Variant of Uncertain Significance.